The following is an entry in ClinVar:

NM_001145809.2(MYH14):c.5257-10A>G

Gene: MYH14 (myosin heavy chain 14; plus strand). Cytogenetic location: 19q13.33.
Variant type: single nucleotide variant.
Coding change: c.5257-10A>G on transcript NM_001145809.2 (MANE Select); 10 bases into the intron before coding-DNA position 5257, A replaced by G.
Molecular consequence: intron variant.
Genome position (GRCh38, 1-based): chr19:50,293,223, A>G. VCF-style: chr19-50293223-A-G. GRCh37 (hg19) VCF-style: chr19-50796480-A-G.
Other names: c.5158-10A>G (NM_001077186.2); c.5134-10A>G (NM_024729.4).
Identifiers: ClinVar variation 3060143 (VCV003060143.2), dbSNP rs2123456726, ClinGen allele CA2586549542.

ClinVar aggregate classification (germline): Likely benign (0 of 4 stars; one submission).

Conditions:
MYH14-related disorder. Also called: MYH14-related condition.

gnomAD v4.1: 1 of 1,595,316 alleles (0.000063%); highest among the groups gnomAD compares: Admixed American, 0.0017%; no homozygotes.

Submission:

PreventionGenetics, part of Exact Sciences
Classification: Likely benign for MYH14-related condition. Last evaluated: 2021-05-13. Review status: no assertion criteria provided. Collection method: clinical testing. Allele origin: germline.
Comment: This variant is classified as likely benign based on ACMG/AMP sequence variant interpretation guidelines (Richards et al. 2015 PMID: 25741868, with internal and published modifications).